The following is an entry in ClinVar:

NM_012434.5(SLC17A5):c.776C>T (p.Ser259Phe)

Gene: SLC17A5 (solute carrier family 17 member 5; minus strand). Cytogenetic location: 6q13.
Variant type: single nucleotide variant.
Coding change: c.776C>T on transcript NM_012434.5 (MANE Select); coding-DNA position 776, C replaced by T.
Protein change: p.Ser259Phe; replaces serine 259 with phenylalanine.
Molecular consequence: missense variant.
Genome position (GRCh38, 1-based): chr6:73,635,425, G>A on the plus strand (C>T on the coding strand, the complement: SLC17A5 is on the minus strand). VCF-style: chr6-73635425-G-A. GRCh37 (hg19) VCF-style: chr6-74345148-G-A.
Other names: short protein forms S259F.
Identifiers: ClinVar variation 70515 (VCV000070515.13), dbSNP rs149340734, ClinGen allele CA140972033.

ClinVar aggregate classification (germline): Uncertain significance. Review status: criteria provided, multiple submitters, no conflicts (2 of 4 stars). 3 submissions from 3 submitters: Uncertain significance (2). 1 of the submissions does not count toward it. Last evaluated 2021-09-05.

Conditions:
Salla disease (SD). Also called: Less Severe FSASD (Salla Disease); Sialuria, Finnish type; N-acetylneuraminic acid (NANA) storage disease (NSD); Infantile sialic acid storage disorder (ISSD). Identifiers: Orphanet 309334, Orphanet 834, MedGen C1096903, MONDO:0011449, OMIM 604369.

Allele frequency attached by ClinVar (database versions not stated): gnomAD exomes below 0.00001.
gnomAD v4.1: 1 of 1,608,612 alleles (0.000062%); highest among the groups gnomAD compares: African/African-American, 0.0013%; no homozygotes.

Submissions (3):

Genome-Nilou Lab
Classification: Uncertain significance for Salla disease. Last evaluated: 2021-09-05. Review status: criteria provided, single submitter. Criteria: ACMG Guidelines, 2015. Collection method: clinical testing. Allele origin: germline. Affected: no.

Labcorp Genetics (formerly Invitae), Labcorp
Classification: Uncertain significance for Salla disease. Last evaluated: 2020-03-07. Review status: criteria provided, single submitter. Criteria: Invitae Variant Classification Sherloc (09022015). Collection method: clinical testing. Allele origin: germline.
Comment: In summary, the available evidence is currently insufficient to determine the role of this variant in disease. Therefore, it has been classified as a Variant of Uncertain Significance. Algorithms developed to predict the effect of missense changes on protein structure and function are either unavailable or do not agree on the potential impact of this missense change (SIFT: "Deleterious"; PolyPhen-2: "Possibly Damaging"; Align-GVGD: "Class C0"). This variant has not been reported in the literature in individuals with SLC17A5-related conditions. ClinVar contains an entry for this variant (Variation ID: 70515). This variant is not present in population databases (ExAC no frequency). This sequence change replaces serine with phenylalanine at codon 259 of the SLC17A5 protein (p.Ser259Phe). The serine residue is moderately conserved and there is a large physicochemical difference between serine and phenylalanine.

Counsyl
Classification: Uncertain significance for Salla disease. Last evaluated: 2017-03-22. Review status: no assertion criteria provided. Collection method: clinical testing. Allele origin: unknown. Not counted in ClinVar's aggregate classification.